The following is an entry in ClinVar:

NM_144997.7(FLCN):c.1579_1580insA (p.Arg527fs)

Gene: FLCN (folliculin; minus strand). Cytogenetic location: 17p11.2.
Variant type: Insertion.
Coding change: c.1579_1580insA on transcript NM_144997.7 (MANE Select); coding-DNA positions 1579 to 1580, A inserted.
Protein change: p.Arg527fs; shifts the reading frame from arginine 527.
Molecular consequence: frameshift variant.
Genome position: GRCh38 VCF-style: chr17-17213815-C-CT. GRCh37 (hg19) VCF-style: chr17-17117129-C-CT.
Other names: c.1579_1580insA (LRG_325t1, NM_144997.6); c.1633_1634insA, p.Arg545fs (NM_001353229.2); c.1579_1580insA, p.Arg527fs (NM_001353230.2, NM_001353231.2); short protein forms R527fs, R545fs.
Identifiers: ClinVar variation 253259 (VCV000253259.22), dbSNP rs753009073, ClinGen allele CA8415933.
Genomic context (GRCh38, chr17:17,213,815, plus strand): 5'-ACATTGTCCTCCTCGGACGCACCCAGGATGCTCAGCAGCTTCTGTGTGTCCTCTTTGGGT[C>CT]GACTGTCCACCTTGGTGAACTTAAAAAGCACCTTCACTTTGCTGAAGAAAACCAAAACAA-3'

ClinVar aggregate classification (germline): Pathogenic/Likely pathogenic. Review status: criteria provided, multiple submitters, no conflicts (2 of 4 stars). 10 submissions from 10 submitters: Pathogenic (6); Likely pathogenic (2). 2 of the submissions do not count toward it. Last evaluated 2026-08-06.

Conditions:
Pneumothorax - familial.
Birt-Hogg-Dube syndrome 1 (BHD1). Also called: FIBROFOLLICULOMAS WITH TRICHODISCOMAS AND ACROCHORDONS. Identifiers: Orphanet 122, MedGen CN375946, MONDO:0800445, OMIM 135150.
Hereditary cancer-predisposing syndrome. Also called: Hereditary neoplastic syndrome; Hereditary Cancer Syndrome; Neoplastic Syndromes, Hereditary; Tumor predisposition. Identifiers: Orphanet 140162, MedGen C0027672, MeSH D009386, MONDO:0015356.
Birt-Hogg-Dube syndrome. Also called: Birt Hogg Dubé syndrome. Identifiers: Orphanet 122, MedGen C0346010, MONDO:0800444.

Allele frequency attached by ClinVar (database versions not stated): gnomAD exomes below 0.00001 and 0.00001; ExAC 0.00001.

Submissions (10):

NHS Central & South Genomic Laboratory Hub
Classification: Pathogenic for Pneumothorax - familial. Last evaluated: 2026-08-06. Review status: criteria provided, single submitter. Criteria: ACMG Guidelines, 2015. Collection method: clinical testing. Allele origin: germline. Affected: yes.

Division of Genetic & Genomic Pathology, Hong Kong Children's Hospital
Classification: Pathogenic for Birt-Hogg-Dube syndrome. Last evaluated: 2025-03-31. Review status: criteria provided, single submitter. Criteria: ACMG Guidelines, 2015. Collection method: clinical testing. Allele origin: germline. Affected: yes.
Comment: The single-basepair insertion in the FLCN gene is a well-reported pathogenic variant for Birt-Hogg-Dube syndrome. This is a frameshift variant located in the last exon, and is not expected to trigger nonsense-mediated mRNA decay. This is a rare variant where 2 alleles have been reported East Asian population control (gnomAD v4.1.0). This variant has been deposited as pathogenic / likely pathogenic in ClinVar and HGMD (2024.3). It has been shown to segregate with disease in in multiple families with Birt-Hogg-Dube syndrome (PMID: 28785590, 24346394, 22441547). Overall, the single-basepair insertion FLCN c.1579_1580insA is classified as PATHOGENIC.

Labcorp Genetics (formerly Invitae), Labcorp
Classification: Pathogenic for Birt-Hogg-Dube syndrome. Last evaluated: 2024-11-05. Review status: criteria provided, single submitter. Criteria: Invitae Variant Classification Sherloc (09022015). Collection method: clinical testing. Allele origin: germline.
Comment: This sequence change results in a frameshift in the FLCN gene (p.Arg527Glnfs*75). While this is not anticipated to result in nonsense mediated decay, it is expected to disrupt the last 53 amino acid(s) of the FLCN protein and extend the protein by 21 additional amino acid residues. This variant is present in population databases (rs753009073, gnomAD 0.01%). This frameshift has been observed in individuals with Birt-Hogg-Dubé syndrome (PMID: 22441547, 24346394). It has also been observed to segregate with disease in related individuals. ClinVar contains an entry for this variant (Variation ID: 253259). This variant disrupts a region of the FLCN protein in which other variant(s) (p.Trp553*) have been determined to be pathogenic (PMID: 28558743). This suggests that this is a clinically significant region of the protein, and that variants that disrupt it are likely to be disease-causing. For these reasons, this variant has been classified as Pathogenic.

Ambry Genetics
Classification: Pathogenic for Hereditary cancer-predisposing syndrome. Last evaluated: 2024-08-08. Review status: criteria provided, single submitter. Criteria: Ambry Variant Classification Scheme 2023. Collection method: clinical testing. Allele origin: germline.
Comment: The c.1579_1580insA pathogenic variant, located in coding exon 11 of the FLCN gene, results from an insertion of one nucleotide at position 1579, causing a translational frameshift with a predicted alternate stop codon (p.R527Qfs*75). This frameshift occurs at the 3' end of FLCN, is not expected to trigger nonsense-mediated mRNA decay, impacts only the last 53 amino acids of the protein, and elongates the FLCN protein by 21 amino acids. Frameshifts are typically deleterious in nature, and there are multiple similar alterations classified as pathogenic including FLCN c. 1597_1598delCA (p.Q533Efs*68) and FLCN c.1616dupT (p.A541Cfs*61) (Ambry Internal Data). This variant has been detected in multiple East Asian families with Birt-Hogg-Dub&eacute; syndrome (BHD) and shown to segregate well with disease (Furuya M et al. Am. J. Surg. Pathol., 2012 Apr;36:589-600; Yang CY et al. J Postgrad Med;59:321-3; Liu L et al. Biomed Res Int, 2017 Jul;2017:8751384; Hou X et al. BMC Med. Genet., 2018 01;19:14). Based on the supporting evidence, this alteration is interpreted as a disease-causing mutation.

Myriad Genetics, Inc.
Classification: Likely pathogenic for Birt-Hogg-Dube syndrome 1. Last evaluated: 2024-01-18. Review status: criteria provided, single submitter. Criteria: Myriad Autosomal Dominant, Autosomal Recessive and X-Linked Classification Criteria (2023). Collection method: clinical testing. Allele origin: unknown.
Comment: This variant is considered likely pathogenic. This variant creates a frameshift predicted to result in the incorporation of abnormal amino acid sequence into the protein product and abnormal protein elongation.

Quest Diagnostics Nichols Institute San Juan Capistrano
Classification: Pathogenic. Last evaluated: 2023-05-26. Review status: criteria provided, single submitter. Criteria: Quest Diagnostics criteria. Collection method: clinical testing. Allele origin: unknown.
Comment: This variant alters the translational reading frame of the FLCN mRNA and causes the premature termination of FLCN protein synthesis. However, this frameshift variant is located in the terminal exon of the FLCN gene (exon 14) and is not expected to trigger nonsense-mediated mRNA (NMD) decay. In the published literature, this variant has been reported in individuals with Birt-Hogg-Dube (BHD) syndrome (PMID: 31615547 (2019), 29357828 (2018), 27229674 (2016)). The variant has also been shown to segregate with disease in multiple families with Birt-Hogg-Dube (BHD) syndrome (PMID: 28785590 (2017), 24346394 (2013), 22441547 (2012)). The frequency of this variant in the general population, 0.000008 (2/251492 chromosomes (Genome Aggregation Database)), is consistent with pathogenicity. Based on the available information, this variant is classified as pathogenic.

Genomic Diagnostic Laboratory, Division of Genomic Diagnostics, Children's Hospital of Philadelphia
Classification: Pathogenic for Birt-Hogg-Dube Syndrome. Last evaluated: 2016-07-18. Review status: criteria provided, single submitter. Criteria: DGD Variant Analysis Guidelines. Collection method: clinical testing. Allele origin: germline. Affected: yes. Observed: 1 variant allele.
Comment: Clinical Testing

Juno Genomics, Hangzhou Juno Genomics, Inc
Classification: Likely pathogenic for Birt-Hogg-Dube syndrome 1. Review status: criteria provided, single submitter. Criteria: ACMG Guidelines, 2015. Collection method: clinical testing. Allele origin: germline.
Comment: Absent from controls (or at extremely low frequency if recessive) in Genome Aggregation Database.;Null variant in a gene where loss of function (LOF) is a known mechanism of disease.;The prevalence of the variant in affected individuals is significantly increased compared to the prevalence in controls.;Co-segregation with disease in multiple affected family members.

Division of Respiratory Medicine of Juntendo University, Juntendo University Faculty of Medicine and Graduate School of Medicine
Classification: Pathogenic for Birt-Hogg-Dube syndrome 1. Last evaluated: 2023-07-01. Review status: no assertion criteria provided. Collection method: clinical testing. Allele origin: germline. Affected: yes. Not counted in ClinVar's aggregate classification.

Department of Traditional Chinese Medicine, Fujian Provincial Hospital
Classification: Pathogenic for Birt-Hogg-Dube syndrome 1. Review status: no assertion criteria provided. Collection method: research. Allele origin: germline. Affected: yes. Observed: 1 compound heterozygote. Not counted in ClinVar's aggregate classification.
Comment: We found two cases in one family with the phenotype of renal cell cancer, and both second-generation sequencing detected the FLCN gene Arg527Glnfs*75 variant in both affected relatives.

Literature cited by the submitters: PubMed 28785590 (cited by 3 submitters); PubMed 24346394 (cited by 4 submitters); PubMed 22441547 (cited by 4 submitters); PubMed 28558743 (cited by Labcorp Genetics (formerly Invitae), Labcorp); PubMed 27220747 (cited by Ambry Genetics and Quest Diagnostics Nichols Institute San Juan Capistrano); PubMed 27229674 (cited by Ambry Genetics and Quest Diagnostics Nichols Institute San Juan Capistrano); PubMed 29357828 (cited by Ambry Genetics and Quest Diagnostics Nichols Institute San Juan Capistrano); PubMed 30632664 (cited by Ambry Genetics); PubMed 31615547 (cited by Ambry Genetics and Quest Diagnostics Nichols Institute San Juan Capistrano); PubMed 12204536 (cited by Department of Traditional Chinese Medicine, Fujian Provincial Hospital).